The following is an entry in ClinVar:

ClinVar aggregate classification (germline): Pathogenic (1 of 4 stars; one submission).

Conditions:
Polycystic kidney disease 4 (PKD4). Also called: POLYCYSTIC KIDNEY DISEASE 4 WITH OR WITHOUT POLYCYSTIC LIVER DISEASE; Autosomal Recessive Polycystic Kidney Disease – PKHD1; POLYCYSTIC KIDNEY AND HEPATIC DISEASE 1; POLYCYSTIC KIDNEY DISEASE, INFANTILE, TYPE I; PKD3. Identifiers: MedGen C4540575, MONDO:0033004, OMIM 263200.

Submission:

Juno Genomics, Hangzhou Juno Genomics, Inc
Classification: Pathogenic for Polycystic kidney disease 4. Review status: criteria provided, single submitter. Criteria: ACMG Guidelines, 2015. Collection method: clinical testing. Allele origin: germline. Affected: yes.
Comment: Absent from controls (or at extremely low frequency if recessive) in Genome Aggregation Database.;Null variant in a gene where loss of function (LOF) is a known mechanism of disease.;For recessive disorders, detected in trans with a pathogenic variant.;Patient's phenotype or family history is highly specific for a disease with a single genetic etiology.

NM_138694.4(PKHD1):c.7812_7816dup (p.Thr2606fs)

Gene: PKHD1 (PKHD1 ciliary IPT domain containing fibrocystin/polyductin; minus strand). Cytogenetic location: 6p12.2.
Variant type: Duplication.
Coding change: c.7812_7816dup on transcript NM_138694.4 (MANE Select); coding-DNA positions 7812 to 7816, 5 bases duplicated (TGATA; older notation c.7812_7816dupTGATA).
Protein change: p.Thr2606fs; shifts the reading frame from threonine 2606.
Molecular consequence: frameshift variant.
Genome position (GRCh38, 1-based): chr6:51,855,988-51,855,992, TATCA duplicated on the plus strand (TGATA on the coding strand, the reverse complement: PKHD1 is on the minus strand). VCF-style (leftmost placement, unchanged base first): chr6-51855987-G-GTATCA. GRCh37 (hg19) VCF-style: chr6-51720785-G-GTATCA.
Other names: c.7812_7816dup, p.Thr2606fs (NM_170724.3); short protein forms T2606fs.
Identifiers: ClinVar variation 5019710 (VCV005019710.1).